The following is an entry in ClinVar:

NM_004369.4(COL6A3):c.1287G>T (p.Leu429Phe)

Gene: COL6A3 (collagen type VI alpha 3 chain; minus strand). Cytogenetic location: 2q37.3.
Variant type: single nucleotide variant.
Coding change: c.1287G>T on transcript NM_004369.4 (MANE Select); coding-DNA position 1287, G replaced by T.
Protein change: p.Leu429Phe; replaces leucine 429 with phenylalanine.
Molecular consequence: missense variant. On other transcripts: intron variant (2).
Genome position (GRCh38, 1-based): chr2:237,387,607, C>A on the plus strand (G>T on the coding strand, the complement: COL6A3 is on the minus strand). VCF-style: chr2-237387607-C-A. GRCh37 (hg19) VCF-style: chr2-238296250-C-A.
Other names: c.669G>T, p.Leu223Phe (NM_057165.5, NM_057167.4); c.92-6108G>T (NM_057166.5, NM_057164.5); short protein forms L429F, L223F.
Identifiers: ClinVar variation 1482573 (VCV001482573.6), dbSNP rs2078177026, ClinGen allele CA351220870.

ClinVar aggregate classification (germline): Uncertain significance (1 of 4 stars; one submission).

Conditions:
Bethlem myopathy 1A. Also called: Bethlem myopathy 1; Bethlem Muscular Dystrophy; MYOPATHY, BENIGN CONGENITAL, WITH CONTRACTURES. Identifiers: Orphanet 610, MedGen CN029274, MONDO:0024530, OMIM 158810.

Allele frequency attached by ClinVar (database versions not stated): TOPMed below 0.00001.

Submission:

Labcorp Genetics (formerly Invitae), Labcorp
Classification: Uncertain significance for Bethlem myopathy 1A. Last evaluated: 2025-04-07. Review status: criteria provided, single submitter. Criteria: Invitae Variant Classification Sherloc (09022015). Collection method: clinical testing. Allele origin: germline.
Comment: This sequence change replaces leucine, which is neutral and non-polar, with phenylalanine, which is neutral and non-polar, at codon 429 of the COL6A3 protein (p.Leu429Phe). This variant is not present in population databases (gnomAD no frequency). This variant has not been reported in the literature in individuals affected with COL6A3-related conditions. ClinVar contains an entry for this variant (Variation ID: 1482573). Invitae Evidence Modeling of protein sequence and biophysical properties (such as structural, functional, and spatial information, amino acid conservation, physicochemical variation, residue mobility, and thermodynamic stability) indicates that this missense variant is not expected to disrupt COL6A3 protein function with a negative predictive value of 95%. In summary, the available evidence is currently insufficient to determine the role of this variant in disease. Therefore, it has been classified as a Variant of Uncertain Significance.